The following is an entry in ClinVar:

ClinVar aggregate classification (germline): Uncertain significance. Review status: reviewed by expert panel (3 of 4 stars). 2 submissions from 2 submitters: Uncertain significance (1). 1 of the submissions does not count toward it. Last evaluated 2020-07-25.

Conditions:
Phenylketonuria (PKU). Also called: Phenylketonuria (PKU); FOLLING DISEASE; OLIGOPHRENIA PHENYLPYRUVICA; Phenylketonurias. Identifiers: Orphanet 716, MedGen C0031485, MONDO:0009861, OMIM 261600. Disease mechanism: loss of function.

gnomAD v4.1: 1 of 1,588,078 alleles (0.000063%); highest among the groups gnomAD compares: Non-Finnish European, 0.000086%; no homozygotes.

Submissions (2):

ClinGen PAH Variant Curation Expert Panel
Classification: Uncertain significance for Phenylketonuria. Last evaluated: 2020-07-25. Review status: reviewed by expert panel. Criteria: ClinGen PAH ACMG Specifications v1. Collection method: curation. Allele origin: germline. Inheritance: Autosomal recessive inheritance.
Comment: (PAH):c.1065+7C>A is an intronic variant that is predicted to be have no effect on splicing by multiple lines of computational evidence. This variant was identified in a patient with mild HPA. Patient genotype was not specified homozygous or compound heterozygous (PMID 10947211). This variant is absent in population databases. In summary, this variant has insufficient evidence and is classified as uncertain significance for PAH. PAH-specific ACMG/AMP criteria applied: PM2, BP4, and PP4.

DeBelle Laboratory for Biochemical Genetics, MUHC/MCH RESEARCH INSTITUTE
No classification provided. Review status: no classification provided. Collection method: not provided. Allele origin: not provided. Not counted in ClinVar's aggregate classification.

NM_000277.3(PAH):c.1065+7C>A

Gene: PAH (phenylalanine hydroxylase; minus strand). Cytogenetic location: 12q23.2.
Variant type: single nucleotide variant.
Coding change: c.1065+7C>A on transcript NM_000277.3 (MANE Select); 7 bases into the intron after coding-DNA position 1065, C replaced by A.
Molecular consequence: intron variant.
Genome position (GRCh38, 1-based): chr12:102,844,329, G>T on the plus strand (C>A on the coding strand, the complement: PAH is on the minus strand). VCF-style: chr12-102844329-G-T. GRCh37 (hg19) VCF-style: chr12-103238107-G-T.
Other names: c.1065+7C>A (NM_001354304.2).
Identifiers: ClinVar variation 102506 (VCV000102506.2), dbSNP rs62508639, ClinGen allele CA229319.